The following is an entry in ClinVar:

ClinVar aggregate classification (germline): Conflicting classifications of pathogenicity. Review status: criteria provided, conflicting classifications (1 of 4 stars). 10 submissions from 10 submitters: Uncertain significance (7); Likely benign (3). Last evaluated 2026-03-01.

Conditions:
Malignant hyperthermia, susceptibility to, 5 (MHS5). Also called: CACNA1S-Related Malignant Hyperthermia Susceptibility. Identifiers: Orphanet 423, MedGen C1866077, MONDO:0011163, OMIM 601887.
Congenital myopathy 18. Also called: Myopathy, congenital, due to dihydropyridine receptor defect; DIHYDROPYRIDINE RECEPTOR CONGENITAL MYOPATHY; DHPR CONGENITAL MYOPATHY. Identifiers: MedGen C5830283, MONDO:0859514, OMIM 620246.
Thyrotoxic periodic paralysis, susceptibility to, 1 (TTPP1). Identifiers: Orphanet 79102, MedGen C2749982, MONDO:0008570, OMIM 188580.
Hypokalemic periodic paralysis, type 1. Also called: Hypokalemic Periodic Paralysis Type 1 (AD); HypoPP. Identifiers: Orphanet 681, MedGen C3714580, MONDO:0042979, OMIM 170400.
Inborn genetic diseases. Identifiers: MedGen C0950123, MeSH D030342.

Allele frequency attached by ClinVar (database versions not stated): 1000 Genomes Project 30x 0.00016; TOPMed 0.00018.
gnomAD v4.1: 451 of 1,614,168 alleles (0.028%); highest among the groups gnomAD compares: Middle Eastern, 0.2%; 1 homozygote.

Submissions (10):

CeGaT Center for Human Genetics Tuebingen
Classification: Uncertain significance. Last evaluated: 2026-03-01. Review status: criteria provided, single submitter. Criteria: CeGaT Center For Human Genetics Tuebingen Variant Classification Criteria Version 2. Collection method: clinical testing. Allele origin: germline. Affected: yes. Observed: 2 variant alleles.

Labcorp Genetics (formerly Invitae), Labcorp
Classification: Uncertain significance for Hypokalemic periodic paralysis, type 1; Malignant hyperthermia, susceptibility to, 5. Last evaluated: 2025-11-27. Review status: criteria provided, single submitter. Criteria: Invitae Variant Classification Sherloc (09022015). Collection method: clinical testing. Allele origin: germline.
Comment: This sequence change replaces arginine, which is basic and polar, with histidine, which is basic and polar, at codon 498 of the CACNA1S protein (p.Arg498His). This variant is present in population databases (rs150590855, gnomAD 0.03%). This missense change has been observed in individual(s) with clinical features of CACNA1S-related conditions (PMID: 25658027, 28326467, 32054689, 36796140, 37937776). ClinVar contains an entry for this variant (Variation ID: 424926). Invitae Evidence Modeling of protein sequence and biophysical properties (such as structural, functional, and spatial information, amino acid conservation, physicochemical variation, residue mobility, and thermodynamic stability) has been performed for this missense variant. However, the output from this modeling did not meet the statistical confidence thresholds required to predict the impact of this variant on CACNA1S protein function. In summary, the available evidence is currently insufficient to determine the role of this variant in disease. Therefore, it has been classified as a Variant of Uncertain Significance.

Color Diagnostics, LLC DBA Color Health
Classification: Likely benign for Malignant hyperthermia, susceptibility to, 5. Last evaluated: 2025-11-11. Review status: criteria provided, single submitter. Criteria: ACMG Guidelines, 2015. Collection method: clinical testing. Allele origin: germline.

GeneDx
Classification: Uncertain significance. Last evaluated: 2025-06-12. Review status: criteria provided, single submitter. Criteria: GeneDx Variant Classification Process June 2021. Collection method: clinical testing. Allele origin: germline. Affected: yes.
Comment: Reported in an individual with exertional heat illness who harbored an additional variant in the CACNA1S gene and was not susceptible to malignant hyperthermia by in vitro contracture test (PMID: 25658027); Reported previously as a variant of uncertain significance in a patient with Brugada syndrome; however, no further clinical information was provided (PMID: 39940965); In silico analysis supports that this missense variant has a deleterious effect on protein structure/function; This variant is associated with the following publications: (PMID: 37937776, 32054689, 25658027, 24195946, 36796140, 36292632, 39940965)

Blueprint Genetics
Classification: Likely benign. Last evaluated: 2024-11-18. Review status: criteria provided, single submitter. Criteria: ACMG Guidelines, 2015. Collection method: clinical testing. Allele origin: germline.

Revvity Omics, Revvity
Classification: Uncertain significance. Last evaluated: 2024-08-13. Review status: criteria provided, single submitter. Criteria: ACMG Guidelines, 2015. Collection method: clinical testing. Allele origin: germline.

Fulgent Genetics
Classification: Uncertain significance for Hypokalemic periodic paralysis, type 1; Thyrotoxic periodic paralysis, susceptibility to, 1; Malignant hyperthermia, susceptibility to, 5; Congenital myopathy 18. Last evaluated: 2024-05-28. Review status: criteria provided, single submitter. Criteria: ACMG Guidelines, 2015. Collection method: clinical testing. Allele origin: germline.

Ambry Genetics
Classification: Uncertain significance for Inborn genetic diseases. Last evaluated: 2023-02-14. Review status: criteria provided, single submitter. Criteria: Ambry Variant Classification Scheme 2023. Collection method: clinical testing. Allele origin: germline.

Athena Diagnostics
Classification: Likely benign. Last evaluated: 2019-12-02. Review status: criteria provided, single submitter. Criteria: Athena Diagnostics Criteria. Collection method: clinical testing. Allele origin: unknown.

Illumina Laboratory Services, Illumina
Classification: Uncertain significance for Hypokalemic periodic paralysis, type 1. Last evaluated: 2017-04-27. Review status: criteria provided, single submitter. Criteria: ICSL Variant Classification Criteria 13 December 2019. Collection method: clinical testing. Allele origin: germline.

Literature cited by the submitters: PubMed 25658027 (cited by 3 submitters); PubMed 28326467 (cited by Labcorp Genetics (formerly Invitae), Labcorp); PubMed 32054689 (cited by Labcorp Genetics (formerly Invitae), Labcorp); PubMed 36796140 (cited by Labcorp Genetics (formerly Invitae), Labcorp); PubMed 37937776 (cited by Labcorp Genetics (formerly Invitae), Labcorp); PubMed 24195946 (cited by Athena Diagnostics).

NM_000069.3(CACNA1S):c.1493G>A (p.Arg498His)

Gene: CACNA1S (calcium voltage-gated channel subunit alpha1 S; minus strand). Cytogenetic location: 1q32.1.
Variant type: single nucleotide variant.
Coding change: c.1493G>A on transcript NM_000069.3 (MANE Select); coding-DNA position 1493, G replaced by A.
Protein change: p.Arg498His; replaces arginine 498 with histidine.
Molecular consequence: missense variant.
Genome position (GRCh38, 1-based): chr1:201,078,005, C>T on the plus strand (G>A on the coding strand, the complement: CACNA1S is on the minus strand). VCF-style: chr1-201078005-C-T. GRCh37 (hg19) VCF-style: chr1-201047133-C-T.
Other names: short protein forms R498H.
Identifiers: ClinVar variation 424926 (VCV000424926.66), dbSNP rs150590855, ClinGen allele CA078266.